The following is an entry in ClinVar:

ClinVar aggregate classification (germline): Likely pathogenic. Review status: criteria provided, multiple submitters, no conflicts (2 of 4 stars). 2 submissions from 2 submitters: Likely pathogenic (2). Last evaluated 2026-03-17.

Conditions:
Joubert syndrome. Also called: JOUBERT-BOLTSHAUSER SYNDROME; Familial aplasia of the vermis. Identifiers: Orphanet 475, MedGen C5979921, MONDO:0018772.
Joubert syndrome and related disorders. Identifiers: Orphanet 140874, MedGen C5679612, MONDO:0015369.

Submissions (2):

Women's Health and Genetics/Laboratory Corporation of America, LabCorp
Classification: Likely pathogenic for Joubert syndrome and related disorders. Last evaluated: 2026-03-17. Review status: criteria provided, single submitter. Criteria: LabCorp Variant Classification Summary - May 2015. Collection method: clinical testing. Allele origin: germline.
Comment: Variant summary: INPP5E c.1156T>C (p.Ser386Pro) results in a non-conservative amino acid change in the encoded protein sequence. Algorithms developed to predict the effect of missense changes on protein structure and function all suggest that this variant is likely to be disruptive, which is supported by internally developed computational models. The variant was absent in 154270 control chromosomes. The available data on variant occurrences in the general population are insufficient to allow any conclusion about variant significance. c.1156T>C has been observed in individual(s) affected with retinitis pigmentosa (internal data). These data do not allow any conclusion about variant significance. To our knowledge, no experimental evidence demonstrating an impact on protein function has been reported. ClinVar contains an entry for this variant (Variation ID: 2042055). Based on the evidence outlined above, the variant was classified as likely pathogenic.

Labcorp Genetics (formerly Invitae), Labcorp
Classification: Likely pathogenic for Joubert syndrome. Last evaluated: 2022-11-08. Review status: criteria provided, single submitter. Criteria: Invitae Variant Classification Sherloc (09022015). Collection method: clinical testing. Allele origin: germline.
Comment: In summary, the currently available evidence indicates that the variant is pathogenic, but additional data are needed to prove that conclusively. Therefore, this variant has been classified as Likely Pathogenic. Advanced modeling of protein sequence and biophysical properties (such as structural, functional, and spatial information, amino acid conservation, physicochemical variation, residue mobility, and thermodynamic stability) performed at Invitae indicates that this missense variant is expected to disrupt INPP5E protein function. This missense change has been observed in individual(s) with clinical features of retinitis pigmentosa (Invitae). In at least one individual the data is consistent with being in trans (on the opposite chromosome) from a pathogenic variant. This variant is not present in population databases (gnomAD no frequency). This sequence change replaces serine, which is neutral and polar, with proline, which is neutral and non-polar, at codon 386 of the INPP5E protein (p.Ser386Pro).

NM_019892.6(INPP5E):c.1156T>C (p.Ser386Pro)

Gene: INPP5E (inositol polyphosphate-5-phosphatase E; minus strand). Cytogenetic location: 9q34.3.
Variant type: single nucleotide variant.
Coding change: c.1156T>C on transcript NM_019892.6 (MANE Select); coding-DNA position 1156, T replaced by C.
Protein change: p.Ser386Pro; replaces serine 386 with proline.
Molecular consequence: missense variant.
Genome position (GRCh38, 1-based): chr9:136,433,158, A>G on the plus strand (T>C on the coding strand, the complement: INPP5E is on the minus strand). VCF-style: chr9-136433158-A-G. GRCh37 (hg19) VCF-style: chr9-139327610-A-G.
Other names: c.1156T>C, p.Ser386Pro (NM_001318502.2); short protein forms S386P.
Identifiers: ClinVar variation 2042055 (VCV002042055.5), dbSNP rs771866083, ClinGen allele CA375564147.